The following is an entry in ClinVar:

ClinVar aggregate classification (germline): Uncertain significance. Review status: criteria provided, multiple submitters, no conflicts (2 of 4 stars). 2 submissions from 2 submitters: Uncertain significance (2). Last evaluated 2025-03-31.

Conditions:
Baller-Gerold syndrome (BGS). Also called: CRANIOSYNOSTOSIS WITH RADIAL DEFECTS. Identifiers: Orphanet 1225, MedGen C0265308, MONDO:0009039, OMIM 218600.
Inborn genetic diseases. Identifiers: MedGen C0950123, MeSH D030342.

Allele frequency attached by ClinVar (database versions not stated): gnomAD exomes below 0.00001.

Submissions (2):

Ambry Genetics
Classification: Uncertain significance for Inborn genetic diseases. Last evaluated: 2025-03-31. Review status: criteria provided, single submitter. Criteria: Ambry Variant Classification Scheme 2023. Collection method: clinical testing. Allele origin: germline.
Comment: The p.Q757R variant (also known as c.2270A>G), located in coding exon 14 of the RECQL4 gene, results from an A to G substitution at nucleotide position 2270. The glutamine at codon 757 is replaced by arginine, an amino acid with highly similar properties. This amino acid position is conserved. In addition, this alteration is predicted to be deleterious by in silico analysis. Based on the available evidence, the clinical significance of this variant remains unclear.

Labcorp Genetics (formerly Invitae), Labcorp
Classification: Uncertain significance for Baller-Gerold syndrome. Last evaluated: 2022-10-14. Review status: criteria provided, single submitter. Criteria: Invitae Variant Classification Sherloc (09022015). Collection method: clinical testing. Allele origin: germline.
Comment: In summary, the available evidence is currently insufficient to determine the role of this variant in disease. Therefore, it has been classified as a Variant of Uncertain Significance. Algorithms developed to predict the effect of sequence changes on RNA splicing suggest that this variant may create or strengthen a splice site. This sequence change replaces glutamine, which is neutral and polar, with arginine, which is basic and polar, at codon 757 of the RECQL4 protein (p.Gln757Arg). This variant is not present in population databases (gnomAD no frequency). This variant has not been reported in the literature in individuals affected with RECQL4-related conditions. ClinVar contains an entry for this variant (Variation ID: 946868). Advanced modeling of protein sequence and biophysical properties (such as structural, functional, and spatial information, amino acid conservation, physicochemical variation, residue mobility, and thermodynamic stability) performed at Invitae indicates that this missense variant is expected to disrupt RECQL4 protein function.

NM_004260.4(RECQL4):c.2270A>G (p.Gln757Arg)

Gene: RECQL4 (RecQ like helicase 4; minus strand). Cytogenetic location: 8q24.3.
Variant type: single nucleotide variant.
Coding change: c.2270A>G on transcript NM_004260.4 (MANE Select); coding-DNA position 2270, A replaced by G.
Protein change: p.Gln757Arg; replaces glutamine 757 with arginine.
Molecular consequence: missense variant.
Genome position (GRCh38, 1-based): chr8:144,513,411, T>C on the plus strand (A>G on the coding strand, the complement: RECQL4 is on the minus strand). VCF-style: chr8-144513411-T-C. GRCh37 (hg19) VCF-style: chr8-145738795-T-C.
Other names: short protein forms Q757R.
Identifiers: ClinVar variation 946868 (VCV000946868.7), dbSNP rs1827629600, ClinGen allele CA372678449.